The following is an entry in ClinVar:

ClinVar aggregate classification (germline): Uncertain significance (1 of 4 stars; one submission).

Submission:

Labcorp Genetics (formerly Invitae), Labcorp
Classification: Uncertain significance. Last evaluated: 2023-07-12. Review status: criteria provided, single submitter. Criteria: Invitae Variant Classification Sherloc (09022015). Collection method: clinical testing. Allele origin: unknown.
Comment: In summary, the available evidence is currently insufficient to determine the role of this variant in disease. Therefore, it has been classified as a Variant of Uncertain Significance. This variant has not been reported in the literature in individuals affected with DDX41-related conditions. This variant is a gross deletion of the genomic region encompassing exon(s) 15-17 of the DDX41 gene, which includes the termination codon. This deletion extends beyond the assayed region for this gene and therefore may encompass additional genes. While this deletion is not anticipated to lead to nonsense mediated decay, it is expected to alter mRNA translation or result in a truncated protein product.

NC_000005.9:g.(?_176936891)_(176939413_?)del

Genes: DDX41 (DEAD-box helicase 41; minus strand), DOK3 (docking protein 3; minus strand). Cytogenetic location: 5q35.3.
Variant type: Deletion.
Identifiers: ClinVar variation 3246527 (VCV003246527.1).